The following is an entry in ClinVar:

NM_001904.4(CTNNB1):c.727del (p.Met243fs)

Genes: CTNNB1 (catenin beta 1; plus strand), LOC126806658 (BRD4-independent group 4 enhancer GRCh37_chr3:41265899-41267098; plus strand). Cytogenetic location: 3p22.1.
Variant type: Deletion.
Coding change: c.727del on transcript NM_001904.4 (MANE Select); coding-DNA position 727, one base deleted (A; older notation c.727delA).
Protein change: p.Met243fs; shifts the reading frame from methionine 243.
Molecular consequence: frameshift variant.
Genome position (GRCh38, 1-based): chr3:41,225,565, A deleted; the last of 4 consecutive A bases (chr3:41,225,562-41,225,565); deleting any one gives the same sequence. VCF-style (leftmost placement, unchanged base first): chr3-41225561-GA-G. GRCh37 (hg19) VCF-style: chr3-41267052-GA-G.
Other names: c.727del, p.Met243fs (NM_001098209.2, NM_001098210.2); c.706del, p.Met236fs (NM_001330729.2); short protein forms M236fs, M243fs.
Identifiers: ClinVar variation 2632311 (VCV002632311.1), dbSNP rs2470787406, ClinGen allele CA2695197894.

ClinVar aggregate classification (germline): Likely pathogenic (1 of 4 stars; one submission).

Conditions:
CTNNB1-related disorder. Also called: CTNNB1-related condition.

Submission:

PreventionGenetics, part of Exact Sciences
Classification: Likely pathogenic for CTNNB1-related condition. Last evaluated: 2023-06-22. Review status: criteria provided, single submitter. Criteria: ACMG Guidelines, 2015. Collection method: clinical testing. Allele origin: germline.
Comment: The CTNNB1 c.727delA variant is predicted to result in a frameshift and premature protein termination (p.Met243Cysfs*33). To our knowledge, this variant has not been reported in the literature or in a large population database, indicating this variant is rare. Frameshift variants in CTNNB1 are expected to be pathogenic. This variant is interpreted as likely pathogenic.